The following is an entry in ClinVar:

ClinVar aggregate classification (germline): Uncertain significance (1 of 4 stars; one submission).

Conditions:
Combined oxidative phosphorylation defect type 14. Also called: Combined oxidative phosphorylation deficiency 14. Identifiers: Orphanet 319519, MedGen C4755312, MONDO:0013986, OMIM 614946.

gnomAD v4.1: 1 of 1,614,152 alleles (0.000062%); highest among the groups gnomAD compares: Non-Finnish European, 0.000085%; no homozygotes.

Submission:

Labcorp Genetics (formerly Invitae), Labcorp
Classification: Uncertain significance for Combined oxidative phosphorylation defect type 14. Last evaluated: 2025-03-19. Review status: criteria provided, single submitter. Criteria: Invitae Variant Classification Sherloc (09022015). Collection method: clinical testing. Allele origin: germline.
Comment: This sequence change replaces serine, which is neutral and polar, with tryptophan, which is neutral and slightly polar, at codon 34 of the FARS2 protein (p.Ser34Trp). This variant is not present in population databases (gnomAD no frequency). This variant has not been reported in the literature in individuals affected with FARS2-related conditions. Invitae Evidence Modeling of protein sequence and biophysical properties (such as structural, functional, and spatial information, amino acid conservation, physicochemical variation, residue mobility, and thermodynamic stability) indicates that this missense variant is not expected to disrupt FARS2 protein function with a negative predictive value of 95%. In summary, the available evidence is currently insufficient to determine the role of this variant in disease. Therefore, it has been classified as a Variant of Uncertain Significance.

NM_006567.5(FARS2):c.101C>G (p.Ser34Trp)

Genes: FARS2 (phenylalanyl-tRNA synthetase 2, mitochondrial; plus strand), LOC126859565 (CDK7 strongly-dependent group 2 enhancer GRCh37_chr6:5368745-5369944; plus strand). Cytogenetic location: 6p25.1.
Variant type: single nucleotide variant.
Coding change: c.101C>G on transcript NM_006567.5 (MANE Select); coding-DNA position 101, C replaced by G.
Protein change: p.Ser34Trp; replaces serine 34 with tryptophan.
Molecular consequence: missense variant. On other transcripts: intron variant (2).
Genome position (GRCh38, 1-based): chr6:5,368,671, C>G. VCF-style: chr6-5368671-C-G. GRCh37 (hg19) VCF-style: chr6-5368904-C-G.
Other names: c.101C>G, p.Ser34Trp (NM_001318872.2, NM_001374875.1, NM_001374876.1 and 5 more transcripts); c.-340-27962C>G (NM_001375260.1); c.-84-35871C>G (NM_001375259.1); short protein forms S34W.
Identifiers: ClinVar variation 4809715 (VCV004809715.1).
Genomic context (GRCh38, chr6:5,368,671, plus strand): 5'-TCTACCTGGTGAGTAAGGCCAGTCACATCTCCAGAGGCCATCAGCACCAGGCCTGGGGAT[C>G]GAGGCCTCCTGCAGCAGAGTGTGCCACCCAAAGAGCTCCAGGCAGTGTGGTGGAGCTGCT-3'
Protein context (NP_006558.1, residues 24-44): SRGHQHQAWG[Ser34Trp]RPPAAECATQ